The following is an entry in ClinVar:

NM_002291.3(LAMB1):c.4160G>A (p.Ser1387Asn)

Gene: LAMB1 (laminin subunit beta 1; minus strand). Cytogenetic location: 7q31.1.
Variant type: single nucleotide variant.
Coding change: c.4160G>A on transcript NM_002291.3 (MANE Select); coding-DNA position 4160, G replaced by A.
Protein change: p.Ser1387Asn; replaces serine 1387 with asparagine.
Molecular consequence: missense variant.
Genome position (GRCh38, 1-based): chr7:107,935,443, C>T on the plus strand (G>A on the coding strand, the complement: LAMB1 is on the minus strand). VCF-style: chr7-107935443-C-T. GRCh37 (hg19) VCF-style: chr7-107575888-C-T.
Other names: short protein forms S1387N.
Identifiers: ClinVar variation 3607326 (VCV003607326.2).
Genomic context (GRCh38, chr7:107,935,443, plus strand): 5'-CATAGCAGTAAGGCCACATCCCCAAACCTTACCATTTCGGCAGCGGCTGAAAGGTCTAGG[C>T]TTTGTAGCTTGCCTGCCAGTTCATCAAGGAGGCGAGCCTGCTCCTCTTGTTTTTCCTTGA-3'
Protein context (NP_002282.2, residues 1377-1397): LLDELAGKLQ[Ser1387Asn]LDLSAAAEMT

ClinVar aggregate classification (germline): Uncertain significance (1 of 4 stars; one submission).

gnomAD v4.1: 3 of 1,562,044 alleles (0.00019%); highest among the groups gnomAD compares: African/African-American, 0.0043%; no homozygotes.

Submission:

Labcorp Genetics (formerly Invitae), Labcorp
Classification: Uncertain significance. Last evaluated: 2024-11-11. Review status: criteria provided, single submitter. Criteria: Invitae Variant Classification Sherloc (09022015). Collection method: clinical testing. Allele origin: germline.
Comment: This sequence change replaces serine, which is neutral and polar, with asparagine, which is neutral and polar, at codon 1387 of the LAMB1 protein (p.Ser1387Asn). This variant is present in population databases (rs368115029, gnomAD 0.01%). This variant has not been reported in the literature in individuals affected with LAMB1-related conditions. An algorithm developed to predict the effect of missense changes on protein structure and function (PolyPhen-2) suggests that this variant is likely to be disruptive. In summary, the available evidence is currently insufficient to determine the role of this variant in disease. Therefore, it has been classified as a Variant of Uncertain Significance.